The following is an entry in ClinVar:

NM_001332.4(CTNND2):c.2404G>A (p.Asp802Asn)

Gene: CTNND2 (catenin delta 2; minus strand). Cytogenetic location: 5p15.2.
Variant type: single nucleotide variant.
Coding change: c.2404G>A on transcript NM_001332.4 (MANE Select); coding-DNA position 2404, G replaced by A.
Protein change: p.Asp802Asn; replaces aspartic acid 802 with asparagine.
Molecular consequence: missense variant. On other transcripts: non-coding transcript variant (1).
Genome position (GRCh38, 1-based): chr5:11,110,917, C>T on the plus strand (G>A on the coding strand, the complement: CTNND2 is on the minus strand). VCF-style: chr5-11110917-C-T. GRCh37 (hg19) VCF-style: chr5-11111029-C-T.
Other names: c.2131G>A, p.Asp711Asn (NM_001288715.1); c.1393G>A, p.Asp465Asn (NM_001288716.1, NM_001364128.2); c.1105G>A, p.Asp369Asn (NM_001288717.2); short protein forms D369N, D465N, D711N, D802N.
Identifiers: ClinVar variation 986234 (VCV000986234.5), dbSNP rs1228655718, ClinGen allele CA359280298.

ClinVar aggregate classification (germline): Uncertain significance. Review status: criteria provided, multiple submitters, no conflicts (2 of 4 stars). 2 submissions from 2 submitters: Uncertain significance (2). Last evaluated 2022-10-06.

Conditions:
Inborn genetic diseases. Identifiers: MedGen C0950123, MeSH D030342.

Allele frequency attached by ClinVar (database versions not stated): gnomAD 0.00001; gnomAD exomes 0.00001 and 0.00004; TOPMed 0.00001.
gnomAD v4.1: 52 of 1,614,022 alleles (0.0032%); highest among the groups gnomAD compares: Non-Finnish European, 0.0043%; no homozygotes.

Submissions (2):

Ambry Genetics
Classification: Uncertain significance for Inborn genetic diseases. Last evaluated: 2022-10-06. Review status: criteria provided, single submitter. Criteria: Ambry Variant Classification Scheme 2023. Collection method: clinical testing. Allele origin: germline.
Comment: The c.2404G>A (p.D802N) alteration is located in coding exon 14 of the CTNND2 gene. This alteration results from a G to A substitution at nucleotide position 2404, causing the aspartic acid (D) at amino acid position 802 to be replaced by an asparagine (N). Based on data from gnomAD, the A allele has an overall frequency of 0.001% (3/251300) total alleles studied. The highest observed frequency was 0.003% (3/113630) of European (non-Finnish) alleles. This amino acid position is highly conserved in available vertebrate species. This alteration is predicted to be tolerated by in silico analysis. Based on insufficient or conflicting evidence, the clinical significance of this alteration remains unclear.

Blueprint Genetics
Classification: Uncertain significance. Last evaluated: 2019-08-28. Review status: criteria provided, single submitter. Criteria: ACMG Guidelines, 2015. Collection method: clinical testing. Allele origin: germline.